The following is an entry in ClinVar:

NM_003619.4(PRSS12):c.2040-1G>C

Gene: PRSS12 (serine protease 12; minus strand). Cytogenetic location: 4q26.
Variant type: single nucleotide variant.
Coding change: c.2040-1G>C on transcript NM_003619.4 (MANE Select); the canonical splice acceptor site of the intron before coding-DNA position 2040, G replaced by C.
Molecular consequence: splice acceptor variant.
Genome position (GRCh38, 1-based): chr4:118,283,112, C>G on the plus strand (G>C on the coding strand, the complement: PRSS12 is on the minus strand). VCF-style: chr4-118283112-C-G. GRCh37 (hg19) VCF-style: chr4-119204267-C-G.
Identifiers: ClinVar variation 1029730 (VCV001029730.1), dbSNP rs780630558, ClinGen allele CA3055456.

ClinVar aggregate classification (germline): Uncertain significance (1 of 4 stars; one submission).

Conditions:
Intellectual developmental disorder, autosomal recessive 1. Also called: MENTAL RETARDATION, AUTOSOMAL RECESSIVE 1; Intellectual disability, autosomal recessive 1. Identifiers: Orphanet 88616, MedGen C1855304, MONDO:0009580, OMIM 249500.

Allele frequency attached by ClinVar (database versions not stated): ExAC 0.00001; gnomAD exomes below 0.00001.
gnomAD v4.1: 6 of 1,614,060 alleles (0.00037%); highest among the groups gnomAD compares: Non-Finnish European, 0.00051%; no homozygotes.

Submission:

Baylor Genetics
Classification: Uncertain significance for Intellectual developmental disorder, autosomal recessive 1. Last evaluated: 2019-12-04. Review status: criteria provided, single submitter. Criteria: ACMG Guidelines, 2015. Collection method: clinical testing. Allele origin: unknown. Affected: yes.
Comment: This variant was determined to be of uncertain significance according to ACMG Guidelines, 2015 [PMID:25741868].